The following is an entry in ClinVar:

ClinVar aggregate classification (germline): Uncertain significance (1 of 4 stars; one submission).

Conditions:
RYR1-related disorder. Also called: RYR1-related condition; RYR1-related disorders. Identifiers: MedGen CN239331.

Allele frequency attached by ClinVar (database versions not stated): gnomAD exomes below 0.00001.
gnomAD v4.1: 1 of 1,613,624 alleles (0.000062%); highest among the groups gnomAD compares: Non-Finnish European, 0.000085%; no homozygotes.

Submission:

Labcorp Genetics (formerly Invitae), Labcorp
Classification: Uncertain significance for RYR1-related disorder. Last evaluated: 2023-09-19. Review status: criteria provided, single submitter. Criteria: Invitae Variant Classification Sherloc (09022015). Collection method: clinical testing. Allele origin: germline.
Comment: In summary, the available evidence is currently insufficient to determine the role of this variant in disease. Therefore, it has been classified as a Variant of Uncertain Significance. Advanced modeling of protein sequence and biophysical properties (such as structural, functional, and spatial information, amino acid conservation, physicochemical variation, residue mobility, and thermodynamic stability) performed at Invitae indicates that this missense variant is not expected to disrupt RYR1 protein function. This variant has not been reported in the literature in individuals affected with RYR1-related conditions. This variant is not present in population databases (gnomAD no frequency). This sequence change replaces glycine, which is neutral and non-polar, with aspartic acid, which is acidic and polar, at codon 1761 of the RYR1 protein (p.Gly1761Asp).

NM_000540.3(RYR1):c.5282G>A (p.Gly1761Asp)

Gene: RYR1 (ryanodine receptor 1; plus strand). Cytogenetic location: 19q13.2.
Variant type: single nucleotide variant.
Coding change: c.5282G>A on transcript NM_000540.3 (MANE Select); coding-DNA position 5282, G replaced by A.
Protein change: p.Gly1761Asp; replaces glycine 1761 with aspartic acid.
Molecular consequence: missense variant.
Genome position (GRCh38, 1-based): chr19:38,485,937, G>A. VCF-style: chr19-38485937-G-A. GRCh37 (hg19) VCF-style: chr19-38976577-G-A.
Other names: c.5282G>A, p.Gly1761Asp (NM_001042723.2); short protein forms G1761D.
Identifiers: ClinVar variation 2847015 (VCV002847015.3), dbSNP rs1568484785, ClinGen allele CA405654436.